The following is an entry in ClinVar:

NM_000018.4(ACADVL):c.1684C>G (p.Gln562Glu)

Gene: ACADVL (acyl-CoA dehydrogenase very long chain; plus strand). Cytogenetic location: 17p13.1.
Variant type: single nucleotide variant.
Coding change: c.1684C>G on transcript NM_000018.4 (MANE Select); coding-DNA position 1684, C replaced by G.
Protein change: p.Gln562Glu; replaces glutamine 562 with glutamic acid.
Molecular consequence: missense variant.
Genome position (GRCh38, 1-based): chr17:7,224,647, C>G. VCF-style: chr17-7224647-C-G. GRCh37 (hg19) VCF-style: chr17-7127966-C-G.
Other names: c.1618C>G, p.Gln540Glu (NM_001033859.3); c.1753C>G, p.Gln585Glu (NM_001270447.2); c.1456C>G, p.Gln486Glu (NM_001270448.2); c.1684C>G (NM_000018.2); short protein forms Q486E, Q562E, Q540E, Q585E.
Identifiers: ClinVar variation 1516753 (VCV001516753.9), dbSNP rs370292684, ClinGen allele CA8338232.
Genomic context (GRCh38, chr17:7,224,647, plus strand): 5'-TCCTCTCCTTGAGACTAATGCCCCCACCCCCACCCCCACCCCACCTACCGGACAGATGAA[C>G]AGTTTCTGCTGCAGCGGCTGGCAGACGGGGCCATCGACCTCTATGCCATGGTGGTGGTTC-3'
Protein context (NP_000009.1, residues 552-572): IKHKKGIVNE[Gln562Glu]FLLQRLADGA

ClinVar aggregate classification (germline): Uncertain significance. Review status: criteria provided, multiple submitters, no conflicts (2 of 4 stars). 3 submissions from 3 submitters: Uncertain significance (3). Last evaluated 2025-07-23.

Conditions:
Inborn genetic diseases. Identifiers: MedGen C0950123, MeSH D030342.
Very long chain acyl-CoA dehydrogenase deficiency (ACADVLD). Also called: Very Long-Chain Acyl-Coenzyme A Dehydrogenase Deficiency; VLCAD Deficiency. Identifiers: Orphanet 26793, MedGen C3887523, MONDO:0008723, OMIM 201475.

Allele frequency attached by ClinVar (database versions not stated): gnomAD 0.00001; gnomAD exomes 0.00001; ExAC 0.00008; ESP Exome Variant Server 0.00008.

Submissions (3):

ARUP Laboratories, Molecular Genetics and Genomics, ARUP Laboratories
Classification: Uncertain significance for Very long chain acyl-CoA dehydrogenase deficiency. Last evaluated: 2025-07-23. Review status: criteria provided, single submitter. Criteria: ARUP Molecular Germline Variant Investigation Process 2024. Collection method: clinical testing. Allele origin: germline.
Comment: The ACADVL c.1684C>G; p.Gln562Glu variant (rs370292684), to our knowledge, is not reported in the medical literature but is reported in ClinVar (Variation ID: 1516753). This variant is only observed on three alleles in the Genome Aggregation Database (v2.1.1), indicating it is not a common polymorphism. Computational analyses predict that this variant is deleterious (REVEL: 0.803). Due to limited information, the clinical significance of this variant is uncertain at this time.

Ambry Genetics
Classification: Uncertain significance for Inborn genetic diseases. Last evaluated: 2025-05-04. Review status: criteria provided, single submitter. Criteria: Ambry Variant Classification Scheme 2023. Collection method: clinical testing. Allele origin: germline.

Labcorp Genetics (formerly Invitae), Labcorp
Classification: Uncertain significance for Very long chain acyl-CoA dehydrogenase deficiency. Last evaluated: 2024-11-03. Review status: criteria provided, single submitter. Criteria: Invitae Variant Classification Sherloc (09022015). Collection method: clinical testing. Allele origin: germline.
Comment: This sequence change replaces glutamine, which is neutral and polar, with glutamic acid, which is acidic and polar, at codon 562 of the ACADVL protein (p.Gln562Glu). This variant is present in population databases (rs370292684, gnomAD 0.01%). This missense change has been observed in individual(s) with very long-chain acyl-CoA dehydrogenase deficiency (internal data). ClinVar contains an entry for this variant (Variation ID: 1516753). Invitae Evidence Modeling of protein sequence and biophysical properties (such as structural, functional, and spatial information, amino acid conservation, physicochemical variation, residue mobility, and thermodynamic stability) indicates that this missense variant is not expected to disrupt ACADVL protein function with a negative predictive value of 80%. In summary, the available evidence is currently insufficient to determine the role of this variant in disease. Therefore, it has been classified as a Variant of Uncertain Significance.